The following is an entry in ClinVar:

NM_007118.4(TRIO):c.2179G>A (p.Val727Met)

Gene: TRIO (trio Rho guanine nucleotide exchange factor; plus strand). Cytogenetic location: 5p15.2.
Variant type: single nucleotide variant.
Coding change: c.2179G>A on transcript NM_007118.4 (MANE Select); coding-DNA position 2179, G replaced by A.
Protein change: p.Val727Met; replaces valine 727 with methionine.
Molecular consequence: missense variant. On other transcripts: non-coding transcript variant (1).
Genome position (GRCh38, 1-based): chr5:14,358,310, G>A. VCF-style: chr5-14358310-G-A. GRCh37 (hg19) VCF-style: chr5-14358419-G-A.
Other names: c.2179G>A (NM_007118.2); short protein forms V727M.
Identifiers: ClinVar variation 3233527 (VCV003233527.3), dbSNP rs748582661, ClinGen allele CA3205817.
Genomic context (GRCh38, chr5:14,358,310, plus strand): 5'-CAGGACCTCATCAAGCGCTTTGGCCAGCAGCAGCAGACCACCCTGCAGGTGACTGTCAAC[G>A]TGATCAAGGAAGGGGAGGACCTCATCCAGCAGCTCAGGTGGGCCTCACCCCTCTCCTGGT-3'
Protein context (NP_009049.2, residues 717-737): QQTTLQVTVN[Val727Met]IKEGEDLIQQ

ClinVar aggregate classification (germline): Uncertain significance. Review status: criteria provided, multiple submitters, no conflicts (2 of 4 stars). 2 submissions from 2 submitters: Uncertain significance (2). Last evaluated 2025-03-14.

Allele frequency attached by ClinVar (database versions not stated): ExAC 0.00001; gnomAD 0.00001; gnomAD exomes 0.00001; TOPMed 0.00001.
gnomAD v4.1: 11 of 1,614,040 alleles (0.00068%); highest among the groups gnomAD compares: South Asian, 0.0011%; no homozygotes.

Submissions (2):

GeneDx
Classification: Uncertain significance. Last evaluated: 2025-03-14. Review status: criteria provided, single submitter. Criteria: GeneDx Variant Classification Process June 2021. Collection method: clinical testing. Allele origin: germline. Affected: yes.
Comment: In silico analysis indicates that this missense variant does not alter protein structure/function; Has not been previously published as pathogenic or benign to our knowledge

Women's Health and Genetics/Laboratory Corporation of America, LabCorp
Classification: Uncertain significance. Last evaluated: 2024-03-11. Review status: criteria provided, single submitter. Criteria: LabCorp Variant Classification Summary - May 2015. Collection method: clinical testing. Allele origin: germline.
Comment: Variant summary: TRIO c.2179G>A (p.Val727Met) results in a conservative amino acid change in the encoded protein sequence. Three of five in-silico tools predict a damaging effect of the variant on protein function. The variant allele was found at a frequency of 4e-06 in 251394 control chromosomes (gnomAD). The available data on variant occurrences in the general population are insufficient to allow any conclusion about variant significance. To our knowledge, no occurrence of c.2179G>A in individuals affected with TRIO-Related Intellectual Disability and no experimental evidence demonstrating its impact on protein function have been reported. No submitters have cited clinical-significance assessments for this variant to ClinVar. Based on the evidence outlined above, the variant was classified as uncertain significance.